The following is an entry in ClinVar:

ClinVar aggregate classification (germline): Uncertain significance. Review status: criteria provided, multiple submitters, no conflicts (2 of 4 stars). 3 submissions from 3 submitters: Uncertain significance (3). Last evaluated 2025-05-18.

Conditions:
Myoglobinuria, acute recurrent, autosomal recessive. Also called: RHABDOMYOLYSIS, ACUTE RECURRENT; Myoglobinuria, recurrent, autosomal recessive; MYOGLOBINURIA, FAMILIAL PAROXYSMAL PARALYTIC. Identifiers: Orphanet 99845, MedGen C1849386, MONDO:0009992, OMIM 268200.
Inborn genetic diseases. Identifiers: MedGen C0950123, MeSH D030342.

Allele frequency attached by ClinVar (database versions not stated): gnomAD 0.00003 and 0.00011; TOPMed 0.00005; gnomAD exomes 0.00006 and 0.00011; ExAC 0.00016; 1000 Genomes Project 30x 0.00062; 1000 Genomes Project 0.00080.

Submissions (3):

Ambry Genetics
Classification: Uncertain significance for Inborn genetic diseases. Last evaluated: 2025-05-18. Review status: criteria provided, single submitter. Criteria: Ambry Variant Classification Scheme 2023. Collection method: clinical testing. Allele origin: germline.

Fulgent Genetics
Classification: Uncertain significance for Myoglobinuria, acute recurrent, autosomal recessive. Last evaluated: 2022-05-04. Review status: criteria provided, single submitter. Criteria: ACMG Guidelines, 2015. Collection method: clinical testing. Allele origin: unknown.

Labcorp Genetics (formerly Invitae), Labcorp
Classification: Uncertain significance. Last evaluated: 2021-09-24. Review status: criteria provided, single submitter. Criteria: Invitae Variant Classification Sherloc (09022015). Collection method: clinical testing. Allele origin: germline.
Comment: Algorithms developed to predict the effect of missense changes on protein structure and function output the following: SIFT: "Tolerated"; PolyPhen-2: "Benign"; Align-GVGD: "Class C0". The valine amino acid residue is found in multiple mammalian species, which suggests that this missense change does not adversely affect protein function. This variant has not been reported in the literature in individuals affected with LPIN1-related conditions. This variant is present in population databases (rs200284114, ExAC 0.2%). This sequence change replaces methionine with valine at codon 181 of the LPIN1 protein (p.Met181Val). The methionine residue is highly conserved and there is a small physicochemical difference between methionine and valine. In summary, the available evidence is currently insufficient to determine the role of this variant in disease. Therefore, it has been classified as a Variant of Uncertain Significance.

NM_001349206.2(LPIN1):c.541A>G (p.Met181Val)

Gene: LPIN1 (lipin 1; plus strand). Cytogenetic location: 2p25.1.
Variant type: single nucleotide variant.
Coding change: c.541A>G on transcript NM_001349206.2 (MANE Select); coding-DNA position 541, A replaced by G.
Protein change: p.Met181Val; replaces methionine 181 with valine.
Molecular consequence: missense variant. On other transcripts: non-coding transcript variant (1).
Genome position (GRCh38, 1-based): chr2:11,771,624, A>G. VCF-style: chr2-11771624-A-G. GRCh37 (hg19) VCF-style: chr2-11911750-A-G.
Other names: c.541A>G (NM_145693.1); c.559A>G, p.Met187Val (NM_001261427.3); c.688A>G, p.Met230Val (NM_001261428.3, NM_001349208.2); c.541A>G, p.Met181Val (NM_001349199.2, NM_001349200.2, NM_001349201.2 and 5 more transcripts); c.631A>G, p.Met211Val (NM_001349207.2); short protein forms M211V, M230V, M181V, M187V.
Identifiers: ClinVar variation 1464235 (VCV001464235.6), dbSNP rs200284114, ClinGen allele CA1533448.